The following is an entry in ClinVar:

NM_001098.3(ACO2):c.1033-174C>G

Gene: ACO2 (aconitase 2; plus strand). Cytogenetic location: 22q13.2.
Variant type: single nucleotide variant.
Coding change: c.1033-174C>G on transcript NM_001098.3 (MANE Select); 174 bases into the intron before coding-DNA position 1033, C replaced by G.
Molecular consequence: intron variant.
Genome position (GRCh38, 1-based): chr22:41,519,997, C>G. VCF-style: chr22-41519997-C-G. GRCh37 (hg19) VCF-style: chr22-41916001-C-G.
Identifiers: ClinVar variation 678097 (VCV000678097.1), dbSNP rs9611604, ClinGen allele CA14997416.
Genomic context (GRCh38, chr22:41,519,997, plus strand): 5'-CTGAGCTTCAGTTCCTTCATCTGCAGAGCTGAGCCCAGCCTTGCAGGGCTGGAGGGAGCC[C>G]GGGAGCGGGTGTGTGCAGAGCCAACTGCTCAGTTCTTCCCTGTGATGAGGTTTCAGTCAA-3'

ClinVar aggregate classification (germline): Benign (1 of 4 stars; one submission).

Allele frequency attached by ClinVar (database versions not stated): gnomAD 0.15665; TOPMed 0.18223; 1000 Genomes Project 0.18431; 1000 Genomes Project 30x 0.18879.
gnomAD v4.1: 26,637 of 152,088 alleles (18%); highest among the groups gnomAD compares: Admixed American, 38%; 3,391 homozygotes.

Submission:

GeneDx
Classification: Benign. Last evaluated: 2018-06-14. Review status: criteria provided, single submitter. Criteria: GeneDx Variant Classification (06012015). Collection method: clinical testing. Allele origin: germline. Affected: yes.
Comment: This variant is considered likely benign or benign based on one or more of the following criteria: it is a conservative change, it occurs at a poorly conserved position in the protein, it is predicted to be benign by multiple in silico algorithms, and/or has population frequency not consistent with disease.